The following is an entry in ClinVar:

ClinVar aggregate classification (germline): Likely benign (1 of 4 stars; one submission).

Submission:

CeGaT Center for Human Genetics Tuebingen
Classification: Likely benign. Last evaluated: 2023-01-01. Review status: criteria provided, single submitter. Criteria: CeGaT Center For Human Genetics Tuebingen Variant Classification Criteria Version 2. Collection method: clinical testing. Allele origin: germline. Affected: yes. Observed: 1 variant allele.
Comment: CC2D2A: PM2:Supporting, BP4, BP7

NM_001378615.1(CC2D2A):c.123+483C>T

Genes: CC2D2A (coiled-coil and C2 domain containing 2A; plus strand), FBXL5 (F-box and leucine rich repeat protein 5; minus strand). Cytogenetic location: 4p15.32.
Variant type: single nucleotide variant.
Coding change: c.123+483C>T on transcript NM_001378615.1 (MANE Select); 483 bases into the intron after coding-DNA position 123, C replaced by T.
Molecular consequence: intron variant. On other transcripts: 5 prime UTR variant (1), synonymous variant (1).
Genome position (GRCh38, 1-based): chr4:15,479,289, C>T. VCF-style: chr4-15479289-C-T. GRCh37 (hg19) VCF-style: chr4-15480913-C-T.
Other names: c.-64C>T (NM_001378617.1); c.190C>T, p.Leu64= (NM_020785.2); c.123+483C>T (NM_001080522.2, NM_001164720.3).
Identifiers: ClinVar variation 2654681 (VCV002654681.24), dbSNP rs2474825826, ClinGen allele CA2695199369.
Genomic context (GRCh38, chr4:15,479,289, plus strand): 5'-ACTCCTTTCTCCCGAGCCTGCTGGCAGATCCTCCCCCACCTCTCCGCAGGAGTTCCCCTC[C>T]TAGGCTGGGAGCATCCCGTGCAGGGTAAATCTTTTCAAGGTAAGTCCTTGGTAAGAAGTT-3'